The following is an entry in ClinVar:

ClinVar aggregate classification (germline): Benign. Review status: criteria provided, multiple submitters, no conflicts (2 of 4 stars). 9 submissions from 8 submitters: Benign (7). 2 of the submissions do not count toward it. Last evaluated 2026-02-04.

Conditions:
Autosomal dominant nonsyndromic hearing loss 22. Also called: Autosomal dominant nonsyndromic deafness 22; DFNA 22. Identifiers: Orphanet 228012, MedGen C2931767, MONDO:0011660, OMIM 606346.
Autosomal recessive nonsyndromic hearing loss 37. Identifiers: Orphanet 90636, MedGen C1843028, MONDO:0011912, OMIM 607821.

Allele frequency attached by ClinVar (database versions not stated): 1000 Genomes Project 30x 0.14491; 1000 Genomes Project 0.14776; TOPMed 0.21315; gnomAD 0.22603 and 0.22699; ESP Exome Variant Server 0.24127; gnomAD exomes 0.24944 and 0.30820; ExAC 0.25117.
gnomAD v4.1: 477,842 of 1,595,250 alleles (30%); highest among the groups gnomAD compares: Middle Eastern, 39%; 77,985 homozygotes.

Submissions (9):

Labcorp Genetics (formerly Invitae), Labcorp
Classification: Benign. Last evaluated: 2026-02-04. Review status: criteria provided, single submitter. Criteria: Invitae Variant Classification Sherloc (09022015). Collection method: clinical testing. Allele origin: germline.

Genome-Nilou Lab
Classification: Benign for Autosomal dominant nonsyndromic hearing loss 22. Last evaluated: 2021-09-05. Review status: criteria provided, single submitter. Criteria: ACMG Guidelines, 2015. Collection method: clinical testing. Allele origin: germline. Affected: no.

Genome-Nilou Lab
Classification: Benign for Autosomal recessive nonsyndromic hearing loss 37. Last evaluated: 2021-09-05. Review status: criteria provided, single submitter. Criteria: ACMG Guidelines, 2015. Collection method: clinical testing. Allele origin: germline. Affected: no.

Fulgent Genetics
Classification: Benign for Autosomal dominant nonsyndromic hearing loss 22; Autosomal recessive nonsyndromic hearing loss 37. Last evaluated: 2021-08-26. Review status: criteria provided, single submitter. Criteria: ACMG Guidelines, 2015. Collection method: clinical testing. Allele origin: unknown.

GeneDx
Classification: Benign. Last evaluated: 2018-04-27. Review status: criteria provided, single submitter. Criteria: GeneDx Variant Classification (06012015). Collection method: clinical testing. Allele origin: germline. Affected: yes.
Comment: This variant is considered likely benign or benign based on one or more of the following criteria: it is a conservative change, it occurs at a poorly conserved position in the protein, it is predicted to be benign by multiple in silico algorithms, and/or has population frequency not consistent with disease.

Laboratory for Molecular Medicine, Mass General Brigham Personalized Medicine
Classification: Benign. Last evaluated: 2009-06-19. Review status: criteria provided, single submitter. Criteria: LMM Criteria. Collection method: clinical testing. Allele origin: germline. Observed: 135 variant alleles.

PreventionGenetics, part of Exact Sciences
Classification: Benign. Review status: criteria provided, single submitter. Criteria: ACMG Guidelines, 2015. Collection method: clinical testing. Allele origin: germline.

Diagnostic Laboratory, Department of Genetics, University Medical Center Groningen
Classification: Benign. Review status: no assertion criteria provided. Collection method: clinical testing. Allele origin: germline. Affected: yes. Study: VKGL Data-share Consensus. Not counted in ClinVar's aggregate classification.

Joint Genome Diagnostic Labs from Nijmegen and Maastricht, Radboudumc and MUMC+
Classification: Benign. Review status: no assertion criteria provided. Collection method: clinical testing. Allele origin: germline. Affected: yes. Study: VKGL Data-share Consensus. Not counted in ClinVar's aggregate classification.

NM_004999.4(MYO6):c.2658+17C>T

Gene: MYO6 (myosin VI; plus strand). Cytogenetic location: 6q14.1.
Variant type: single nucleotide variant.
Coding change: c.2658+17C>T on transcript NM_004999.4 (MANE Select); 17 bases into the intron after coding-DNA position 2658, C replaced by T.
Molecular consequence: intron variant.
Genome position (GRCh38, 1-based): chr6:75,887,011, C>T. VCF-style: chr6-75887011-C-T. GRCh37 (hg19) VCF-style: chr6-76596728-C-T.
Other names: c.2658+17C>T (NM_001368865.1, NM_001368866.1, NM_001368137.1 and 2 more transcripts); c.2643+17C>T (NM_001368138.1).
Identifiers: ClinVar variation 45147 (VCV000045147.24), dbSNP rs2295936, ClinGen allele CA135615.